The following is an entry in ClinVar:

ClinVar aggregate classification (germline): Uncertain significance (1 of 4 stars; one submission).

Conditions:
NSF-related condition.

gnomAD v4.1: 15 of 1,614,032 alleles (0.00093%); highest among the groups gnomAD compares: Admixed American, 0.0033%; no homozygotes.

Submission:

PreventionGenetics, part of Exact Sciences
Classification: Uncertain significance for NSF-related condition. Last evaluated: 2025-09-19. Review status: criteria provided, single submitter. Criteria: ACMG Guidelines, 2015. Collection method: clinical testing. Allele origin: germline.
Comment: The NSF c.2006A>G variant is predicted to result in the amino acid substitution p.Asn669Ser. To our knowledge, this variant has not been reported in the literature. This variant is reported in 0.0058% of alleles in individuals of Latino descent in gnomAD. At this time, the clinical significance of this variant is uncertain due to the absence of conclusive functional and genetic evidence.

NM_006178.4(NSF):c.2006A>G (p.Asn669Ser)

Genes: LRRC37A2 (leucine rich repeat containing 37 member A2), NSF (N-ethylmaleimide sensitive factor, vesicle fusing ATPase; plus strand). Cytogenetic location: 17q21.31.
Variant type: single nucleotide variant.
Coding change: c.2006A>G on transcript NM_006178.4 (MANE Select); coding-DNA position 2006, A replaced by G.
Protein change: p.Asn669Ser; replaces asparagine 669 with serine.
Molecular consequence: missense variant. On other transcripts: non-coding transcript variant (1).
Genome position (GRCh38, 1-based): chr17:46,749,870, A>G. VCF-style: chr17-46749870-A-G. GRCh37 (hg19) VCF-style: chr17-44827236-A-G.
Other names: short protein forms N669S.
Identifiers: ClinVar variation 4978159 (VCV004978159.1).